The following is an entry in ClinVar:

NM_001783.4(CD79A):c.335A>G (p.Asn112Ser)

Genes: CD79A (CD79a molecule; plus strand), RPS19-CD79A (RPS19-CD79A readthrough; plus strand). Cytogenetic location: 19q13.2.
Variant type: single nucleotide variant.
Coding change: c.335A>G on transcript NM_001783.4 (MANE Select); coding-DNA position 335, A replaced by G.
Protein change: p.Asn112Ser; replaces asparagine 112 with serine.
Molecular consequence: missense variant. On other transcripts: intron variant (1).
Genome position (GRCh38, 1-based): chr19:41,879,245, A>G. VCF-style: chr19-41879245-A-G. GRCh37 (hg19) VCF-style: chr19-42383315-A-G.
Other names: c.265+70A>G (NM_021601.4); short protein forms N112S.
Identifiers: ClinVar variation 1955243 (VCV001955243.5), dbSNP rs782207639, ClinGen allele CA9465560.

ClinVar aggregate classification (germline): Uncertain significance (1 of 4 stars; one submission).

Conditions:
Agammaglobulinemia 3, autosomal recessive (AGM3). Also called: AGAMMAGLOBULINEMIA 3; AGAMMAGLOBULINEMIA, AUTOSOMAL RECESSIVE, DUE TO CD79A DEFECT. Identifiers: MedGen C3150751, MONDO:0013288, OMIM 613501.

Allele frequency attached by ClinVar (database versions not stated): gnomAD 0.00001; TOPMed 0.00001; ExAC 0.00003.
gnomAD v4.1: 16 of 1,613,436 alleles (0.00099%); highest among the groups gnomAD compares: Non-Finnish European, 0.0013%; no homozygotes.

Submission:

Labcorp Genetics (formerly Invitae), Labcorp
Classification: Uncertain significance for Agammaglobulinemia 3, autosomal recessive. Last evaluated: 2022-04-13. Review status: criteria provided, single submitter. Criteria: Invitae Variant Classification Sherloc (09022015). Collection method: clinical testing. Allele origin: germline.
Comment: In summary, the available evidence is currently insufficient to determine the role of this variant in disease. Therefore, it has been classified as a Variant of Uncertain Significance. Algorithms developed to predict the effect of missense changes on protein structure and function (SIFT, PolyPhen-2, Align-GVGD) all suggest that this variant is likely to be tolerated. This variant has not been reported in the literature in individuals affected with CD79A-related conditions. This variant is present in population databases (rs782207639, gnomAD 0.003%). This sequence change replaces asparagine, which is neutral and polar, with serine, which is neutral and polar, at codon 112 of the CD79A protein (p.Asn112Ser).